The following is an entry in ClinVar:

NM_022124.6(CDH23):c.8840G>C (p.Gly2947Ala)

Gene: CDH23 (cadherin related 23; plus strand). Cytogenetic location: 10q22.1.
Variant type: single nucleotide variant.
Coding change: c.8840G>C on transcript NM_022124.6 (MANE Select); coding-DNA position 8840, G replaced by C.
Protein change: p.Gly2947Ala; replaces glycine 2947 with alanine.
Molecular consequence: missense variant.
Genome position (GRCh38, 1-based): chr10:71,809,937, G>C. VCF-style: chr10-71809937-G-C. GRCh37 (hg19) VCF-style: chr10-73569694-G-C.
Other names: c.2120G>C, p.Gly707Ala (NM_001171933.1, NM_001171934.1); short protein forms G707A, G2947A.
Identifiers: ClinVar variation 1390577 (VCV001390577.6), dbSNP rs2132996292, ClinGen allele CA377133482.

ClinVar aggregate classification (germline): Uncertain significance (1 of 4 stars; one submission).

Submission:

Labcorp Genetics (formerly Invitae), Labcorp
Classification: Uncertain significance. Last evaluated: 2021-11-01. Review status: criteria provided, single submitter. Criteria: Invitae Variant Classification Sherloc (09022015). Collection method: clinical testing. Allele origin: germline.
Comment: This variant has not been reported in the literature in individuals affected with CDH23-related conditions. This variant is not present in population databases (gnomAD no frequency). This sequence change replaces glycine, which is neutral and non-polar, with alanine, which is neutral and non-polar, at codon 2947 of the CDH23 protein (p.Gly2947Ala). Algorithms developed to predict the effect of missense changes on protein structure and function are either unavailable or do not agree on the potential impact of this missense change (SIFT: "Deleterious"; PolyPhen-2: "Not Available"; Align-GVGD: "Class C0"). In summary, the available evidence is currently insufficient to determine the role of this variant in disease. Therefore, it has been classified as a Variant of Uncertain Significance.